The following is an entry in ClinVar:

NM_001875.5(CPS1):c.1425del (p.Gly475_Leu476insTer)

Gene: CPS1 (carbamoyl-phosphate synthase 1; plus strand). Cytogenetic location: 2q34.
Variant type: Deletion.
Coding change: c.1425del on transcript NM_001875.5 (MANE Select); coding-DNA position 1425, one base deleted (C; older notation c.1425delC).
Protein change: p.Gly475_Leu476insTer.
Molecular consequence: frameshift variant. On other transcripts: nonsense (1), non-coding transcript variant (2).
Genome position (GRCh38, 1-based): chr2:210,599,437, C deleted. VCF-style (leftmost placement, unchanged base first): chr2-210599436-GC-G. GRCh37 (hg19) VCF-style: chr2-211464160-GC-G.
Other names: c.1425del, p.Gly475_Leu476insTer (NM_001122633.3, NM_001369257.1); c.1458del, p.Gly486_Leu487insTer (NM_001369256.1); c.1425delC, p.Leu476Terfs (NM_001875.4).
Identifiers: ClinVar variation 4814942 (VCV004814942.1).
Genomic context (GRCh38, chr2:210,599,436, plus strand): 5'-AAAATGTCAAAACTGTTCTGATGAACCCAAACATTGCATCAGTCCAGACCAATGAGGTGG[GC>G]TTAAAGCAAGCGGATACTGTCTACTTTCTTCCCATCACCCCTCAGTTTGTCACAGAGGTC-3'

ClinVar aggregate classification (germline): Likely pathogenic (1 of 4 stars; one submission).

Conditions:
Congenital hyperammonemia, type I. Also called: Carbamoyl phosphate synthetase I deficiency disease; CPS I DEFICIENCY; Carbamoyl phosphate synthetase 1 deficiency; Hyperammonemia due to carbamoyl phosphate synthetase 1 deficiency; CPS 1 deficiency; Carbamyl phosphate synthetase (CPS) deficiency. Identifiers: Orphanet 147, MedGen C4082171, MONDO:0009376, OMIM 237300.

Submission:

Natera, Inc.
Classification: Likely pathogenic for Carbamoyl-phosphate synthase I deficiency. Last evaluated: 2024-08-28. Review status: criteria provided, single submitter. Criteria: Natera Variant Classification Schema (03/2026). Collection method: clinical testing. Allele origin: germline.
Comment: The c.1425del variant in CPS1 is a frameshift variant predicted to shift the reading frame and introduce a stop codon. This variant is expected to result in nonsense mediated decay, truncation, or a dysfunctional protein product. This variant is rare in the general population with a frequency below the threshold expected for the associated phenotype(s). Given the available evidence, this variant is classified as Likely Pathogenic.